The following is an entry in ClinVar:

ClinVar aggregate classification (germline): Conflicting classifications of pathogenicity. Review status: criteria provided, conflicting classifications (1 of 4 stars). 2 submissions from 2 submitters: Pathogenic (1); Uncertain significance (1). Last evaluated 2021-04-05.

Conditions:
Developmental and epileptic encephalopathy. Identifiers: MedGen C5779964, MONDO:0100620.

Submissions (2):

GeneDx
Classification: Pathogenic. Last evaluated: 2021-04-05. Review status: criteria provided, single submitter. Criteria: GeneDx Variant Classification Process June 2021. Collection method: clinical testing. Allele origin: germline. Affected: yes.
Comment: Not observed in large population cohorts (Lek et al., 2016); Missense variants in this gene are often considered pathogenic (Stenson et al., 2014); In silico analysis supports that this missense variant has a deleterious effect on protein structure/function; Has not been previously published as pathogenic or benign to our knowledge; This substitution is predicted to be within the cytoplasmic loop between the third and fourth homologous domains

Labcorp Genetics (formerly Invitae), Labcorp
Classification: Uncertain significance for Early infantile epileptic encephalopathy with suppression bursts. Last evaluated: 2018-12-04. Review status: criteria provided, single submitter. Criteria: Invitae Variant Classification Sherloc (09022015). Collection method: clinical testing. Allele origin: germline.
Comment: This sequence change replaces glutamine with histidine at codon 1504 of the SCN1A protein (p.Gln1504His). The glutamine residue is highly conserved and there is a small physicochemical difference between glutamine and histidine. This variant is not present in population databases (ExAC no frequency). Algorithms developed to predict the effect of missense changes on protein structure and function are either unavailable or do not agree on the potential impact of this missense change (SIFT: "Deleterious"; PolyPhen-2: "Possibly Damaging"; Align-GVGD: "Class C15"). In summary, the available evidence is currently insufficient to determine the role of this variant in disease. Therefore, it has been classified as a Variant of Uncertain Significance.

NM_001165963.4(SCN1A):c.4512G>T (p.Gln1504His)

Genes: SCN1A (sodium voltage-gated channel alpha subunit 1; minus strand), LOC102724058 (uncharacterized LOC102724058; plus strand). Cytogenetic location: 2q24.3.
Variant type: single nucleotide variant.
Coding change: c.4512G>T on transcript NM_001165963.4 (MANE Select); coding-DNA position 4512, G replaced by T.
Protein change: p.Gln1504His; replaces glutamine 1504 with histidine.
Molecular consequence: missense variant. On other transcripts: non-coding transcript variant (1).
Genome position (GRCh38, 1-based): chr2:165,996,082, C>A on the plus strand (G>T on the coding strand, the complement: SCN1A is on the minus strand). VCF-style: chr2-165996082-C-A. GRCh37 (hg19) VCF-style: chr2-166852592-C-A.
Other names: c.4428G>T, p.Gln1476His (NM_001165964.3, NM_001353957.2, NM_001353958.2); c.4512G>T, p.Gln1504His (NM_001202435.3, NM_001353948.2); c.4479G>T, p.Gln1493His (NM_001353949.2, NM_001353950.2, NM_001353951.2 and 2 more transcripts); c.4476G>T, p.Gln1492His (NM_001353954.2, NM_001353955.2); c.4425G>T, p.Gln1475His (NM_001353960.2); c.2070G>T, p.Gln690His (NM_001353961.2); short protein forms Q1475H, Q1504H, Q1476H, Q690H, Q1492H, Q1493H.
Identifiers: ClinVar variation 643035 (VCV000643035.5), dbSNP rs1559114837, ClinGen allele CA349048773.